The following is an entry in ClinVar:

ClinVar aggregate classification (germline): Uncertain significance (1 of 4 stars; one submission).

Conditions:
Arrhythmogenic cardiomyopathy with wooly hair and keratoderma. Also called: PALMOPLANTAR KERATODERMA WITH LEFT VENTRICULAR CARDIOMYOPATHY AND WOOLLY HAIR; Carvajal syndrome; Dilated cardiomyopathy with woolly hair and keratoderma; Arrhythmogenic cardiomyopathy with woolly hair and keratoderma. Identifiers: Orphanet 65282, MedGen C1854063, MONDO:0011581, OMIM 605676.
Arrhythmogenic right ventricular dysplasia 8 (ARVD8). Also called: ARRHYTHMOGENIC RIGHT VENTRICULAR DYSPLASIA, FAMILIAL, 8; ARRHYTHMOGENIC RIGHT VENTRICULAR CARDIOMYOPATHY 8; Arrhythmogenic Right Ventricular Dysplasia/Cardiomyopathy 8. Identifiers: MedGen C1843896, MONDO:0011831, OMIM 607450.

Submission:

Labcorp Genetics (formerly Invitae), Labcorp
Classification: Uncertain significance for Arrhythmogenic cardiomyopathy with wooly hair and keratoderma; Arrhythmogenic right ventricular dysplasia 8. Last evaluated: 2022-06-20. Review status: criteria provided, single submitter. Criteria: Invitae Variant Classification Sherloc (09022015). Collection method: clinical testing. Allele origin: germline.
Comment: This variant, c.877_879dup, results in the insertion of 1 amino acid(s) of the DSP protein (p.Glu293dup), but otherwise preserves the integrity of the reading frame. This variant is not present in population databases (gnomAD no frequency). This variant has not been reported in the literature in individuals affected with DSP-related conditions. Experimental studies and prediction algorithms are not available or were not evaluated, and the functional significance of this variant is currently unknown. In summary, the available evidence is currently insufficient to determine the role of this variant in disease. Therefore, it has been classified as a Variant of Uncertain Significance.

NM_004415.4(DSP):c.868GAG[5] (p.Glu293dup)

Gene: DSP (desmoplakin; plus strand). Cytogenetic location: 6p24.3.
Variant type: Microsatellite.
Coding change: c.868GAG[5] on transcript NM_004415.4 (MANE Select); five copies in a row of the 3-base unit GAG starting at c.868; the reference has four copies in a row; one copy, 3 bases duplicated.
Protein change: p.Glu293dup; duplicates glutamic acid 293.
Molecular consequence: inframe insertion.
Genome position (GRCh38, 1-based): chr6:7,565,458-7,565,460, GAG duplicated; duplicating any 3 consecutive bases within chr6:7,565,449-7,565,460 gives the same sequence; the position shown is the placement nearest the transcript's 3' end. VCF-style (leftmost placement, unchanged base first): chr6-7565448-C-CGAG. GRCh37 (hg19) VCF-style: chr6-7565681-C-CGAG.
Other names: c.868GAG[5], p.Glu293dup (NM_001008844.3, NM_001319034.2).
Identifiers: ClinVar variation 576368 (VCV000576368.9), dbSNP rs1561685368, ClinGen allele CA891843294.